The following is an entry in ClinVar:

NM_006915.3(RP2):c.413A>C (p.Glu138Ala)

Gene: RP2 (RP2 activator of ARL3 GTPase; plus strand). Cytogenetic location: Xp11.3.
Variant type: single nucleotide variant.
Coding change: c.413A>C on transcript NM_006915.3 (MANE Select); coding-DNA position 413, A replaced by C.
Protein change: p.Glu138Ala; replaces glutamic acid 138 with alanine.
Molecular consequence: missense variant.
Genome position (GRCh38, 1-based): chrX:46,853,786, A>C. VCF-style: chrX-46853786-A-C. GRCh37 (hg19) VCF-style: chrX-46713221-A-C.
Other names: short protein forms E138A.
Identifiers: ClinVar variation 1025424 (VCV001025424.10), dbSNP rs1924904893, ClinGen allele CA413039704.

ClinVar aggregate classification (germline): Conflicting classifications of pathogenicity. Review status: criteria provided, conflicting classifications (1 of 4 stars). 2 submissions from 2 submitters: Likely pathogenic (1); Uncertain significance (1). Last evaluated 2022-05-17.

Conditions:
RP2-related disorder. Also called: RP2-related condition.

Submissions (2):

Blueprint Genetics
Classification: Likely pathogenic for RP2-related disorders. Last evaluated: 2022-05-17. Review status: criteria provided, single submitter. Criteria: ACMG Guidelines, 2015. Collection method: clinical testing. Allele origin: germline. Affected: yes. Observed: 1 variant allele.

Labcorp Genetics (formerly Invitae), Labcorp
Classification: Uncertain significance. Last evaluated: 2020-01-30. Review status: criteria provided, single submitter. Criteria: Invitae Variant Classification Sherloc (09022015). Collection method: clinical testing. Allele origin: germline.
Comment: This sequence change replaces glutamic acid with alanine at codon 138 of the RP2 protein (p.Glu138Ala). The glutamic acid residue is highly conserved and there is a moderate physicochemical difference between glutamic acid and alanine. This variant is not present in population databases (ExAC no frequency). This variant has not been reported in the literature in individuals with RP2-related conditions. Algorithms developed to predict the effect of missense changes on protein structure and function (SIFT, PolyPhen-2, Align-GVGD) all suggest that this variant is likely to be disruptive, but these predictions have not been confirmed by published functional studies and their clinical significance is uncertain. This variant disrupts the p.Glu138 amino acid residue in RP2. Other variant(s) that disrupt this residue have been determined to be pathogenic (PMID: 27768226, 11462235, 30917587, 28209709). This suggests that this residue is clinically significant, and that variants that disrupt this residue are likely to be disease-causing. In summary, the available evidence is currently insufficient to determine the role of this variant in disease. Therefore, it has been classified as a Variant of Uncertain Significance.

Literature cited by the submitters: PubMed 27768226 (cited by Labcorp Genetics (formerly Invitae), Labcorp); PubMed 11462235 (cited by Labcorp Genetics (formerly Invitae), Labcorp); PubMed 30917587 (cited by Labcorp Genetics (formerly Invitae), Labcorp); PubMed 28209709 (cited by Labcorp Genetics (formerly Invitae), Labcorp).